The following is an entry in ClinVar:

NM_000528.4(MAN2B1):c.1350C>A (p.Ser450Arg)

Genes: MAN2B1 (mannosidase alpha class 2B member 1; minus strand), LOC129391064 (MPRA-validated peak3365 silencer; plus strand). Cytogenetic location: 19p13.13.
Variant type: single nucleotide variant.
Coding change: c.1350C>A on transcript NM_000528.4 (MANE Select); coding-DNA position 1350, C replaced by A.
Protein change: p.Ser450Arg; replaces serine 450 with arginine.
Molecular consequence: missense variant.
Genome position (GRCh38, 1-based): chr19:12,657,515, G>T on the plus strand (C>A on the coding strand, the complement: MAN2B1 is on the minus strand). VCF-style: chr19-12657515-G-T. GRCh37 (hg19) VCF-style: chr19-12768329-G-T.
Other names: c.1347C>A, p.Ser449Arg (NM_001173498.2); short protein forms S449R, S450R.
Identifiers: ClinVar variation 1936802 (VCV001936802.5), dbSNP rs1237022008, ClinGen allele CA404246895.
Genomic context (GRCh38, chr19:12,657,515, plus strand): 5'-CCCCCAGCCTGCCGCAAGCTGGCGCGCGTAGTCGTTGGCCACGTGCTGGCGGGAGGTGCC[G>T]CTGACGGCGTCGTGATGCTGGAGCACAGCCATCGCCTCATCTGCTCATAGACAATGAGTC-3'
Protein context (NP_000519.2, residues 440-460): MAVLQHHDAV[Ser450Arg]GTSRQHVAND

ClinVar aggregate classification (germline): Uncertain significance (1 of 4 stars; one submission).

Conditions:
Deficiency of alpha-mannosidase (MANSA). Also called: Mannosidosis, alpha-, types I and II; Alpha-Mannosidosis; LYSOSOMAL ALPHA-D-MANNOSIDASE DEFICIENCY. Identifiers: Orphanet 61, MedGen C0024748, MONDO:0009561, OMIM 248500.

Submission:

Labcorp Genetics (formerly Invitae), Labcorp
Classification: Uncertain significance for Deficiency of alpha-mannosidase. Last evaluated: 2022-07-29. Review status: criteria provided, single submitter. Criteria: Invitae Variant Classification Sherloc (09022015). Collection method: clinical testing. Allele origin: germline.
Comment: This sequence change replaces serine, which is neutral and polar, with arginine, which is basic and polar, at codon 450 of the MAN2B1 protein (p.Ser450Arg). This variant is not present in population databases (gnomAD no frequency). This variant has not been reported in the literature in individuals affected with MAN2B1-related conditions. Algorithms developed to predict the effect of missense changes on protein structure and function are either unavailable or do not agree on the potential impact of this missense change (SIFT: "Deleterious"; PolyPhen-2: "Possibly Damaging"; Align-GVGD: "Class C0"). In summary, the available evidence is currently insufficient to determine the role of this variant in disease. Therefore, it has been classified as a Variant of Uncertain Significance.